The following is an entry in ClinVar:

ClinVar aggregate classification (germline): Uncertain significance. Review status: criteria provided, multiple submitters, no conflicts (2 of 4 stars). 5 submissions from 5 submitters: Uncertain significance (4). 1 of the submissions does not count toward it. Last evaluated 2021-11-15.

Conditions:
Inborn genetic diseases. Identifiers: MedGen C0950123, MeSH D030342.
Neuronal ceroid lipofuscinosis. Also called: Neuronal Ceroid Lipofuscinoses. Identifiers: Orphanet 216, Orphanet 79263, MedGen C0027877, MONDO:0016295. Disease mechanism: loss of function.
Neuronal ceroid lipofuscinosis 3 (CLN3). Identifiers: Orphanet 228346, MedGen C0751383, MONDO:0008767, OMIM 204200.

Allele frequency attached by ClinVar (database versions not stated): gnomAD exomes 0.00002 and 0.00003; ExAC 0.00002.

Submissions (5):

Ambry Genetics
Classification: Uncertain significance for Inborn genetic diseases. Last evaluated: 2021-11-15. Review status: criteria provided, single submitter. Criteria: Ambry Variant Classification Scheme 2023. Collection method: clinical testing. Allele origin: germline.

Genome-Nilou Lab
Classification: Uncertain significance for Neuronal ceroid lipofuscinosis 3. Last evaluated: 2021-09-05. Review status: criteria provided, single submitter. Criteria: ACMG Guidelines, 2015. Collection method: clinical testing. Allele origin: germline. Affected: no.

Labcorp Genetics (formerly Invitae), Labcorp
Classification: Uncertain significance for Neuronal ceroid lipofuscinosis. Last evaluated: 2021-08-28. Review status: criteria provided, single submitter. Criteria: Invitae Variant Classification Sherloc (09022015). Collection method: clinical testing. Allele origin: germline.
Comment: This sequence change replaces serine with phenylalanine at codon 421 of the CLN3 protein (p.Ser421Phe). The serine residue is weakly conserved and there is a large physicochemical difference between serine and phenylalanine. This variant is present in population databases (rs778225078, ExAC 0.02%). This variant has not been reported in the literature in individuals affected with CLN3-related conditions. ClinVar contains an entry for this variant (Variation ID: 205103). Algorithms developed to predict the effect of missense changes on protein structure and function are either unavailable or do not agree on the potential impact of this missense change (SIFT: "Tolerated"; PolyPhen-2: "Probably Damaging"; Align-GVGD: "Class C0"). In summary, the available evidence is currently insufficient to determine the role of this variant in disease. Therefore, it has been classified as a Variant of Uncertain Significance.

GeneDx
Classification: Uncertain significance. Last evaluated: 2012-11-05. Review status: criteria provided, single submitter. Criteria: GeneDx Variant Classification (06012015). Collection method: clinical testing. Allele origin: germline. Affected: yes.
Comment: p.Ser421Phe (TCC>TTC):c.1262 C>T in exon 16 of the CLN3 gene (NM_001042432.1). The Ser421Phe missense change has not been published as a mutation, nor has it been reported as a benign polymorphism to our knowledge. The S421F variant was not observed in approximately 6,500 individuals of European or African American ethnicity, indicating that it is not a common benign variant in these populations. This amino acid substitution is non-conservative, as a polar Serine residue is replaced by a non-polar Phenylalanine residue. Ser421Phe alters a position in the sixth transmembrane domain of the protein that is conserved through mammals but is not conserved in more distant species, and another missense mutation in this domain has been previously reported as a disease-causing mutation. Multiple in silico algorithms predict Ser421Phe may be damaging to protein structure/function, while another model suggests it may be benign. Therefore, based on the currently available information, it is unclear whether Ser421Phe is a disease-causing mutation or a rare benign variant. The variant is found in INFANT-EPI panel(s).

Natera, Inc.
Classification: Uncertain significance for Neuronal ceroid lipofuscinosis. Last evaluated: 2020-09-16. Review status: no assertion criteria provided. Collection method: clinical testing. Allele origin: germline. Not counted in ClinVar's aggregate classification.

NM_001042432.2(CLN3):c.1262C>T (p.Ser421Phe)

Gene: CLN3 (CLN3 lysosomal/endosomal transmembrane protein, battenin; minus strand). Cytogenetic location: 16p12.1.
Variant type: single nucleotide variant.
Coding change: c.1262C>T on transcript NM_001042432.2 (MANE Select); coding-DNA position 1262, C replaced by T.
Protein change: p.Ser421Phe; replaces serine 421 with phenylalanine.
Molecular consequence: missense variant.
Genome position (GRCh38, 1-based): chr16:28,477,571, G>A on the plus strand (C>T on the coding strand, the complement: CLN3 is on the minus strand). VCF-style: chr16-28477571-G-A. GRCh37 (hg19) VCF-style: chr16-28488892-G-A.
Other names: p.S421F:TCC>TTC; c.1262C>T, p.Ser421Phe (NM_000086.2); c.1190C>T, p.Ser397Phe (NM_001286104.2); c.962C>T, p.Ser321Phe (NM_001286105.2); c.1028C>T, p.Ser343Phe (NM_001286109.2); c.1100C>T, p.Ser367Phe (NM_001286110.2); short protein forms S421F, S367F, S321F, S397F, S343F.
Identifiers: ClinVar variation 205103 (VCV000205103.9), dbSNP rs778225078, ClinGen allele CA313762.
Genomic context (GRCh38, chr16:28,477,571, plus strand): 5'-GAGTATCAGGAGAGCTGGCAGAGGAAGTCATGCAGAGGCAAAGCCAGGAGCCCCGACAGG[G>A]AGATCCCCAGTGTGTCAGAGATGCAGGTGGCCGCCATTGCAAACTCCCGGTGCTCATCAC-3'
Protein context (NP_001035897.1, residues 411-431): ATCISDTLGI[Ser421Phe]LSGLLALPLH